The following is an entry in ClinVar:

ClinVar aggregate classification (germline): Pathogenic/Likely pathogenic. Review status: criteria provided, multiple submitters, no conflicts (2 of 4 stars). 5 submissions from 5 submitters: Pathogenic (2); Likely pathogenic (2). 1 of the submissions does not count toward it. Last evaluated 2025-10-08.

Conditions:
Cardiovascular phenotype. Identifiers: MedGen CN230736.
Charcot-Marie-Tooth disease type 2. Also called: Charcot-Marie-Tooth type 2. Identifiers: Orphanet 64746, MedGen C0270914, MONDO:0018993.

Allele frequency attached by ClinVar (database versions not stated): TOPMed below 0.00001; gnomAD 0.00001.

Submissions (5):

Labcorp Genetics (formerly Invitae), Labcorp
Classification: Pathogenic for Charcot-Marie-Tooth disease type 2. Last evaluated: 2025-10-08. Review status: criteria provided, single submitter. Criteria: Invitae Variant Classification Sherloc (09022015). Collection method: clinical testing. Allele origin: germline.
Comment: This sequence change replaces leucine, which is neutral and non-polar, with phenylalanine, which is neutral and non-polar, at codon 92 of the LMNA protein (p.Leu92Phe). This variant is not present in population databases (gnomAD no frequency). This missense change has been observed in individuals with dilated cardiomyopathy (PMID: 21846512). ClinVar contains an entry for this variant (Variation ID: 66885). Invitae Evidence Modeling of protein sequence and biophysical properties (such as structural, functional, and spatial information, amino acid conservation, physicochemical variation, residue mobility, and thermodynamic stability) indicates that this missense variant is expected to disrupt LMNA protein function with a positive predictive value of 95%. This variant disrupts the p.Leu92 amino acid residue in LMNA. Other variant(s) that disrupt this residue have been determined to be pathogenic (internal data). This suggests that this residue is clinically significant, and that variants that disrupt this residue are likely to be disease-causing. For these reasons, this variant has been classified as Pathogenic.

Mayo Clinic Laboratories, Mayo Clinic
Classification: Likely pathogenic. Last evaluated: 2023-06-30. Review status: criteria provided, single submitter. Criteria: ACMG Guidelines, 2015. Collection method: clinical testing. Allele origin: germline. Observed: 1 variant allele.
Comment: BS3_supporting, PP1_moderate, PP3, PP4, PM2, PS4_moderate

Ambry Genetics
Classification: Likely pathogenic for Cardiovascular phenotype. Last evaluated: 2022-04-14. Review status: criteria provided, single submitter. Criteria: Ambry Variant Classification Scheme 2023. Collection method: clinical testing. Allele origin: germline.
Comment: The p.L92F variant (also known as c.274C>T), located in coding exon 1 of the LMNA gene, results from a C to T substitution at nucleotide position 274. The leucine at codon 92 is replaced by phenylalanine, an amino acid with highly similar properties. This variant has been detected in individuals with dilated cardiomyopathy, cardiac arrhythmia, and cardiac conduction system disease (Marschall C et al. Cardiovasc Diagn Ther, 2019 Oct;9:S292-S298; Chami N et al. Can J Cardiol, 2014 Dec;30:1655-61; Millat G et al. Eur J Med Genet Aug;54:e570-5). In addition, this variant has also been detected in an individual with lipodystrophy and cardiac dysrhythmia. Studies of cultured fibroblasts from this individual demonstrated altered nuclei and reduced proliferative activity (Caron M et al. Cell Death Differ, 2007 Oct;14:1759-67; Decaudain A et al. J Clin Endocrinol Metab, 2007 Dec;92:4835-44; Vouillarmet J et al. Can J Diabetes, 2016 Oct;40:376-378l). This variant is considered to be rare based on population cohorts in the Genome Aggregation Database (gnomAD). This amino acid position is highly conserved in available vertebrate species. In addition, this alteration is predicted to be deleterious by in silico analysis. Based on the majority of available evidence to date, this variant is likely to be pathogenic.

Molecular Diagnostic Laboratory for Inherited Cardiovascular Disease, Montreal Heart Institute
Classification: Pathogenic for Cardiovascular phenotype. Last evaluated: 2022-02-16. Review status: criteria provided, single submitter. Criteria: ACMG Guidelines, 2015. Collection method: clinical testing. Allele origin: germline. Affected: yes.

Epithelial Biology;  Institute of Medical Biology, Singapore
No classification provided. Review status: no classification provided. Collection method: not provided. Allele origin: not provided. Not counted in ClinVar's aggregate classification.

Literature cited by the submitters: PubMed 21846512 (cited by 3 submitters); PubMed 17612587 (cited by Mayo Clinic Laboratories, Mayo Clinic and Ambry Genetics); PubMed 17711925 (cited by Mayo Clinic Laboratories, Mayo Clinic and Ambry Genetics); PubMed 25448463 (cited by Mayo Clinic Laboratories, Mayo Clinic and Ambry Genetics); PubMed 27026223 (cited by Mayo Clinic Laboratories, Mayo Clinic and Ambry Genetics); PubMed 31737537 (cited by Mayo Clinic Laboratories, Mayo Clinic and Ambry Genetics); PubMed 34862408 (cited by Mayo Clinic Laboratories, Mayo Clinic).

NM_170707.4(LMNA):c.274C>T (p.Leu92Phe)

Gene: LMNA (lamin A/C; plus strand). Cytogenetic location: 1q22.
Variant type: single nucleotide variant.
Coding change: c.274C>T on transcript NM_170707.4 (MANE Select); coding-DNA position 274, C replaced by T.
Protein change: p.Leu92Phe; replaces leucine 92 with phenylalanine.
Molecular consequence: missense variant.
Genome position (GRCh38, 1-based): chr1:156,115,192, C>T. VCF-style: chr1-156115192-C-T. GRCh37 (hg19) VCF-style: chr1-156084983-C-T.
Other names: c.274C>T, p.Leu92Phe (NM_001282625.2, NM_001282626.2, NM_005572.4 and 1 more transcripts); short protein forms L92F.
Identifiers: ClinVar variation 66885 (VCV000066885.8), dbSNP rs267607560, ClinGen allele CA017846.
Genomic context (GRCh38, chr1:156,115,192, plus strand): 5'-CGCGAGGTGTCCGGCATCAAGGCCGCCTACGAGGCCGAGCTCGGGGATGCCCGCAAGACC[C>T]TTGACTCAGTAGCCAAGGAGCGCGCCCGCCTGCAGCTGGAGCTGAGCAAAGTGCGTGAGG-3'
Protein context (NP_733821.1, residues 82-102): EAELGDARKT[Leu92Phe]DSVAKERARL